The following is an entry in ClinVar:

NM_000748.3(CHRNB2):c.863C>T (p.Pro288Leu)

Gene: CHRNB2 (cholinergic receptor nicotinic beta 2 subunit; plus strand). Cytogenetic location: 1q21.3.
Variant type: single nucleotide variant.
Coding change: c.863C>T on transcript NM_000748.3 (MANE Select); coding-DNA position 863, C replaced by T.
Protein change: p.Pro288Leu; replaces proline 288 with leucine.
Molecular consequence: missense variant.
Genome position (GRCh38, 1-based): chr1:154,571,686, C>T. VCF-style: chr1-154571686-C-T. GRCh37 (hg19) VCF-style: chr1-154544162-C-T.
Other names: short protein forms P288L.
Identifiers: ClinVar variation 2713423 (VCV002713423.3), dbSNP rs2526370441, ClinGen allele CA342630990.

ClinVar aggregate classification (germline): Uncertain significance (1 of 4 stars; one submission).

Conditions:
Familial sleep-related hypermotor epilepsy. Also called: Autosomal Dominant Sleep-Related Hypermotor (Hyperkinetic) Epilepsy. Identifiers: Orphanet 98784, MedGen C3696898, MONDO:0000030.

Submission:

Labcorp Genetics (formerly Invitae), Labcorp
Classification: Uncertain significance. Last evaluated: 2025-03-10. Review status: criteria provided, single submitter. Criteria: Invitae Variant Classification Sherloc (09022015). Collection method: clinical testing. Allele origin: germline.
Comment: This sequence change replaces proline, which is neutral and non-polar, with leucine, which is neutral and non-polar, at codon 288 of the CHRNB2 protein (p.Pro288Leu). This variant is not present in population databases (gnomAD no frequency). This variant has not been reported in the literature in individuals affected with CHRNB2-related conditions. ClinVar contains an entry for this variant (Variation ID: 2713423). Invitae Evidence Modeling of protein sequence and biophysical properties (such as structural, functional, and spatial information, amino acid conservation, physicochemical variation, residue mobility, and thermodynamic stability) indicates that this missense variant is expected to disrupt CHRNB2 protein function with a positive predictive value of 80%. In summary, the available evidence is currently insufficient to determine the role of this variant in disease. Therefore, it has been classified as a Variant of Uncertain Significance.